The following is an entry in ClinVar:

ClinVar aggregate classification (germline): Uncertain significance (1 of 4 stars; one submission).

Conditions:
Duchenne muscular dystrophy (DMD). Also called: MUSCULAR DYSTROPHY, PSEUDOHYPERTROPHIC PROGRESSIVE, DUCHENNE TYPE; Duchenne Muscular Dystrophy (DMD). Identifiers: Orphanet 98896, MedGen C0013264, MONDO:0010679, OMIM 310200.

Submission:

Labcorp Genetics (formerly Invitae), Labcorp
Classification: Uncertain significance for Duchenne muscular dystrophy. Last evaluated: 2024-12-11. Review status: criteria provided, single submitter. Criteria: Invitae Variant Classification Sherloc (09022015). Collection method: clinical testing. Allele origin: germline.
Comment: This sequence change replaces serine, which is neutral and polar, with asparagine, which is neutral and polar, at codon 332 of the DMD protein (p.Ser332Asn). This variant is not present in population databases (gnomAD no frequency). This variant has not been reported in the literature in individuals affected with DMD-related conditions. Invitae Evidence Modeling of protein sequence and biophysical properties (such as structural, functional, and spatial information, amino acid conservation, physicochemical variation, residue mobility, and thermodynamic stability) indicates that this missense variant is not expected to disrupt DMD protein function with a negative predictive value of 95%. In summary, the available evidence is currently insufficient to determine the role of this variant in disease. Therefore, it has been classified as a Variant of Uncertain Significance.

NM_004006.3(DMD):c.995G>A (p.Ser332Asn)

Gene: DMD (dystrophin; minus strand). Cytogenetic location: Xp21.1.
Variant type: single nucleotide variant.
Coding change: c.995G>A on transcript NM_004006.3 (MANE Select); coding-DNA position 995, G replaced by A.
Protein change: p.Ser332Asn; replaces serine 332 with asparagine.
Molecular consequence: missense variant.
Genome position (GRCh38, 1-based): chrX:32,645,118, C>T on the plus strand (G>A on the coding strand, the complement: DMD is on the minus strand). VCF-style: chrX-32645118-C-T. GRCh37 (hg19) VCF-style: chrX-32663235-C-T.
Other names: c.971G>A, p.Ser324Asn (NM_000109.4); c.983G>A, p.Ser328Asn (NM_004009.3); c.626G>A, p.Ser209Asn (NM_004010.3); short protein forms S209N, S324N, S328N, S332N.
Identifiers: ClinVar variation 3621134 (VCV003621134.2).